The following is an entry in ClinVar:

ClinVar aggregate classification (germline): Uncertain significance. Review status: criteria provided, multiple submitters, no conflicts (2 of 4 stars). 3 submissions from 3 submitters: Uncertain significance (3). Last evaluated 2025-09-24.

Conditions:
PDGFRB-related disorder. Also called: PDGFRB-related condition.

Allele frequency attached by ClinVar (database versions not stated): ExAC 0.00001; gnomAD exomes 0.00002.
gnomAD v4.1: 22 of 1,612,334 alleles (0.0014%); highest among the groups gnomAD compares: East Asian, 0.0022%; no homozygotes.

Submissions (3):

PreventionGenetics, part of Exact Sciences
Classification: Uncertain significance for PDGFRB-related condition. Last evaluated: 2025-09-24. Review status: criteria provided, single submitter. Criteria: ACMG Guidelines, 2015. Collection method: clinical testing. Allele origin: germline.
Comment: The PDGFRB c.2335G>A variant is predicted to result in the amino acid substitution p.Val779Ile. To our knowledge, this variant has not been reported in the literature. This variant is reported in 0.0053% of alleles in individuals of European (Non-Finnish) descent in gnomAD. At this time, the clinical significance of this variant is uncertain due to the absence of conclusive functional and genetic evidence.

GeneDx
Classification: Uncertain significance. Last evaluated: 2023-02-13. Review status: criteria provided, single submitter. Criteria: GeneDx Variant Classification Process June 2021. Collection method: clinical testing. Allele origin: germline. Affected: yes.
Comment: In silico analysis supports that this missense variant does not alter protein structure/function; Has not been previously published as pathogenic or benign to our knowledge

Institute for Clinical Genetics, University Hospital TU Dresden, University Hospital TU Dresden
Classification: Uncertain significance. Last evaluated: 2021-11-03. Review status: criteria provided, single submitter. Criteria: ACMG Guidelines, 2015. Collection method: clinical testing. Allele origin: germline.

NM_002609.4(PDGFRB):c.2335G>A (p.Val779Ile)

Gene: PDGFRB (platelet derived growth factor receptor beta; minus strand). Cytogenetic location: 5q32.
Variant type: single nucleotide variant.
Coding change: c.2335G>A on transcript NM_002609.4 (MANE Select); coding-DNA position 2335, G replaced by A.
Protein change: p.Val779Ile; replaces valine 779 with isoleucine.
Molecular consequence: missense variant.
Genome position (GRCh38, 1-based): chr5:150,121,889, C>T on the plus strand (G>A on the coding strand, the complement: PDGFRB is on the minus strand). VCF-style: chr5-150121889-C-T. GRCh37 (hg19) VCF-style: chr5-149501452-C-T.
Other names: c.2143G>A, p.Val715Ile (NM_001355016.2); c.1852G>A, p.Val618Ile (NM_001355017.2); short protein forms V618I, V715I, V779I.
Identifiers: ClinVar variation 1319185 (VCV001319185.5), dbSNP rs758890727, ClinGen allele CA3507682.
Genomic context (GRCh38, chr5:150,121,889, plus strand): 5'-AGAGCATCAGCCTGTTTGGATGTGGGGTACTATGTCACTATGTCCACCCACCAGAGGGAA[C>T]GTAGTTATCGTAAGGGGCCATGTAGTTGGAGGACTCGATGTCTGCATATTTGACGTCTCC-3'
Protein context (NP_002600.1, residues 769-789): SNYMAPYDNY[Val779Ile]PSAPERTCRA